The following is an entry in ClinVar:

NM_000186.4(CFH):c.58+25T>C

Gene: CFH (complement factor H; plus strand). Cytogenetic location: 1q31.3.
Variant type: single nucleotide variant.
Coding change: c.58+25T>C on transcript NM_000186.4 (MANE Select); 25 bases into the intron after coding-DNA position 58, T replaced by C.
Molecular consequence: intron variant.
Genome position (GRCh38, 1-based): chr1:196,652,200, T>C. VCF-style: chr1-196652200-T-C. GRCh37 (hg19) VCF-style: chr1-196621330-T-C.
Other names: c.58+25T>C (NM_001014975.3).
Identifiers: ClinVar variation 4291677 (VCV004291677.2).
Genomic context (GRCh38, chr1:196,652,200, plus strand): 5'-TTTGCCTTATGTTATGGGCTATTTGTGTAGCAGAAGGTAAGATTAAAAGAGACTCTTTTC[T>C]GAAAACTGTATTATGAAACATTTGCTAATGATGCTTTTCACAGGAGTAATAAAAATTTGA-3'

ClinVar aggregate classification (germline): Likely benign (1 of 4 stars; one submission).

Conditions:
Atypical hemolytic-uremic syndrome. Identifiers: Orphanet 2134, MedGen C2931788, MONDO:0016244.
Age related macular degeneration 4. Identifiers: MedGen C1853147, MONDO:0012540, OMIM 610698.
Basal laminar drusen. Also called: DRUSEN OF BRUCH MEMBRANE; DRUSEN, CUTICULAR; DRUSEN, EARLY ADULT-ONSET, GROUPED. Identifiers: Orphanet 75376, MedGen C0730295, MONDO:0007472, OMIM 126700.
Factor H deficiency (CFHD). Also called: COMPLEMENT FACTOR H DEFICIENCY; CFH DEFICIENCY. Identifiers: Orphanet 200421, MedGen C0398777, MONDO:0012350, OMIM 609814.

Submission:

Genomenon, Inc
Classification: Likely benign for Age related macular degeneration 4; Atypical hemolytic-uremic syndrome; Factor H deficiency; Basal laminar drusen. Last evaluated: 2026-09-17. Review status: criteria provided, single submitter. Criteria: Genomenon Sequence Variant Interpretation Standards - Updated. Collection method: curation. Allele origin: germline. Affected: no.
Comment: CFH c.58+25T>C is an intronic variant located in intron 1. This variant has been reported in the published literature (PMID: 36211394). It is absent or not present at a significant frequency in gnomAD. This variant is not predicted to impact splicing. In conclusion, we classify CFH c.58+25T>C as a likely benign variant.

Literature cited by the submitters: PubMed 36211394.